The following is an entry in ClinVar:

NM_013450.4(BAZ2B):c.3689A>T (p.Glu1230Val)

Gene: BAZ2B (bromodomain adjacent to zinc finger domain 2B; minus strand). Cytogenetic location: 2q24.2.
Variant type: single nucleotide variant.
Coding change: c.3689A>T on transcript NM_013450.4 (MANE Select); coding-DNA position 3689, A replaced by T.
Protein change: p.Glu1230Val; replaces glutamic acid 1230 with valine.
Molecular consequence: missense variant.
Genome position (GRCh38, 1-based): chr2:159,383,678, T>A on the plus strand (A>T on the coding strand, the complement: BAZ2B is on the minus strand). VCF-style: chr2-159383678-T-A. GRCh37 (hg19) VCF-style: chr2-160240189-T-A.
Other names: c.3581A>T, p.Glu1194Val (NM_001289975.1); c.3527A>T, p.Glu1176Val (NM_001329857.2); c.3614A>T, p.Glu1205Val (NM_001329858.2); short protein forms E1176V, E1194V, E1205V, E1230V.
Identifiers: ClinVar variation 3600590 (VCV003600590.1).
Genomic context (GRCh38, chr2:159,383,678, plus strand): 5'-CCTTCTACCACCCATTTATCTCTCCTCAAGTTTGACATATAATCAATGTTCTTGTCGATT[T>A]CACTGCCAATGCAAGAATTTATTAAAAAGTGTAAATTAATCAATTTATGCAATGCATTAA-3'
Protein context (NP_038478.2, residues 1220-1240): ELACSKSVVS[Glu1230Val]IDKNIDYMSN

ClinVar aggregate classification (germline): Uncertain significance (1 of 4 stars; one submission).

Submission:

GeneDx
Classification: Uncertain significance. Last evaluated: 2024-07-25. Review status: criteria provided, single submitter. Criteria: GeneDx Variant Classification Process June 2021. Collection method: clinical testing. Allele origin: germline. Affected: yes.
Comment: Not observed at significant frequency in large population cohorts (gnomAD); In silico analysis supports that this missense variant has a deleterious effect on protein structure/function; Has not been previously published as pathogenic or benign to our knowledge